The following is an entry in ClinVar:

ClinVar aggregate classification (germline): Uncertain significance (1 of 4 stars; one submission).

Conditions:
Bethlem myopathy 1A. Also called: Bethlem Muscular Dystrophy; MYOPATHY, BENIGN CONGENITAL, WITH CONTRACTURES; Bethlem myopathy 1. Identifiers: Orphanet 610, MedGen CN029274, MONDO:0024530, OMIM 158810.

Submission:

Labcorp Genetics (formerly Invitae), Labcorp
Classification: Uncertain significance for Bethlem myopathy 1A. Last evaluated: 2025-10-22. Review status: criteria provided, single submitter. Criteria: Invitae Variant Classification Sherloc (09022015). Collection method: clinical testing. Allele origin: germline.
Comment: This sequence change replaces tyrosine, which is neutral and polar, with histidine, which is basic and polar, at codon 773 of the COL6A2 protein (p.Tyr773His). This variant is not present in population databases (gnomAD no frequency). This variant has not been reported in the literature in individuals affected with COL6A2-related conditions. ClinVar contains an entry for this variant (Variation ID: 1039280). Invitae Evidence Modeling of protein sequence and biophysical properties (such as structural, functional, and spatial information, amino acid conservation, physicochemical variation, residue mobility, and thermodynamic stability) indicates that this missense variant is not expected to disrupt COL6A2 protein function with a negative predictive value of 80%. In summary, the available evidence is currently insufficient to determine the role of this variant in disease. Therefore, it has been classified as a Variant of Uncertain Significance.

NM_001849.4(COL6A2):c.2317T>C (p.Tyr773His)

Gene: COL6A2 (collagen type VI alpha 2 chain; plus strand). Cytogenetic location: 21q22.3.
Variant type: single nucleotide variant.
Coding change: c.2317T>C on transcript NM_001849.4 (MANE Select); coding-DNA position 2317, T replaced by C.
Protein change: p.Tyr773His; replaces tyrosine 773 with histidine.
Molecular consequence: missense variant.
Genome position (GRCh38, 1-based): chr21:46,126,132, T>C. VCF-style: chr21-46126132-T-C. GRCh37 (hg19) VCF-style: chr21-47546046-T-C.
Other names: c.2317T>C, p.Tyr773His (NM_058174.3, NM_058175.3); short protein forms Y773H.
Identifiers: ClinVar variation 1039280 (VCV001039280.9), dbSNP rs2078662932, ClinGen allele CA410542521.